The following is an entry in ClinVar:

ClinVar aggregate classification (germline): Likely benign (1 of 4 stars; one submission).

Allele frequency attached by ClinVar (database versions not stated): gnomAD exomes 0.00001; gnomAD 0.00003 and 0.00004; TOPMed 0.00003.
gnomAD v4.1: 10 of 1,614,086 alleles (0.00062%); highest among the groups gnomAD compares: African/African-American, 0.0053%; no homozygotes.

Submission:

GeneDx
Classification: Likely benign. Last evaluated: 2017-03-23. Review status: criteria provided, single submitter. Criteria: GeneDx Variant Classification (06012015). Collection method: clinical testing. Allele origin: germline. Affected: yes.
Comment: This variant is considered likely benign or benign based on one or more of the following criteria: it is a conservative change, it occurs at a poorly conserved position in the protein, it is predicted to be benign by multiple in silico algorithms, and/or has population frequency not consistent with disease.

NM_032634.4(PIGO):c.2910G>A (p.Arg970=)

Gene: PIGO (phosphatidylinositol glycan anchor biosynthesis class O; minus strand). Cytogenetic location: 9p13.3.
Variant type: single nucleotide variant.
Coding change: c.2910G>A on transcript NM_032634.4 (MANE Select); coding-DNA position 2910, G replaced by A.
Protein change: p.Arg970=; no amino-acid change (arginine 970 retained).
Molecular consequence: synonymous variant.
Genome position (GRCh38, 1-based): chr9:35,090,225, C>T on the plus strand (G>A on the coding strand, the complement: PIGO is on the minus strand). VCF-style: chr9-35090225-C-T. GRCh37 (hg19) VCF-style: chr9-35090222-C-T.
Other names: c.1659G>A, p.Arg553= (NM_001201484.2, NM_152850.4).
Identifiers: ClinVar variation 508393 (VCV000508393.1), dbSNP rs1171844461, ClinGen allele CA464421001.